The following is an entry in ClinVar:

ClinVar aggregate classification (germline): Benign/Likely benign. Review status: criteria provided, multiple submitters, no conflicts (2 of 4 stars). 3 submissions from 3 submitters: Benign (1); Likely benign (2). Last evaluated 2026-01-28.

Allele frequency attached by ClinVar (database versions not stated): gnomAD exomes 0.00064 and 0.00096; ExAC 0.00121; 1000 Genomes Project 30x 0.00250; 1000 Genomes Project 0.00260; gnomAD 0.00357 and 0.00381; TOPMed 0.00408; ESP Exome Variant Server 0.00492.
gnomAD v4.1: 1,506 of 1,614,190 alleles (0.093%); highest among the groups gnomAD compares: African/African-American, 1.2%; 9 homozygotes.

Submissions (3):

Labcorp Genetics (formerly Invitae), Labcorp
Classification: Benign. Last evaluated: 2026-01-28. Review status: criteria provided, single submitter. Criteria: Invitae Variant Classification Sherloc (09022015). Collection method: clinical testing. Allele origin: germline.

CeGaT Center for Human Genetics Tuebingen
Classification: Likely benign. Last evaluated: 2025-05-01. Review status: criteria provided, single submitter. Criteria: CeGaT Center For Human Genetics Tuebingen Variant Classification Criteria Version 2. Collection method: clinical testing. Allele origin: germline. Affected: yes. Observed: 1 variant allele.
Comment: KIF14: BP4, BS1

Blueprint Genetics
Classification: Likely benign. Last evaluated: 2024-11-21. Review status: criteria provided, single submitter. Criteria: ACMG Guidelines, 2015. Collection method: clinical testing. Allele origin: germline.

NM_014875.3(KIF14):c.941A>G (p.Lys314Arg)

Gene: KIF14 (kinesin family member 14; minus strand). Cytogenetic location: 1q32.1.
Variant type: single nucleotide variant.
Coding change: c.941A>G on transcript NM_014875.3 (MANE Select); coding-DNA position 941, A replaced by G.
Protein change: p.Lys314Arg; replaces lysine 314 with arginine.
Molecular consequence: missense variant. On other transcripts: 5 prime UTR variant (1).
Genome position (GRCh38, 1-based): chr1:200,617,783, T>C on the plus strand (A>G on the coding strand, the complement: KIF14 is on the minus strand). VCF-style: chr1-200617783-T-C. GRCh37 (hg19) VCF-style: chr1-200586911-T-C.
Other names: c.-445A>G (NM_001305792.1); short protein forms K314R.
Identifiers: ClinVar variation 709583 (VCV000709583.21), dbSNP rs112722057, ClinGen allele CA1317936.